The following is an entry in ClinVar:

NM_006231.4(POLE):c.3199C>G (p.Gln1067Glu)

Gene: POLE (DNA polymerase epsilon, catalytic subunit; minus strand). Cytogenetic location: 12q24.33.
Variant type: single nucleotide variant.
Coding change: c.3199C>G on transcript NM_006231.4 (MANE Select); coding-DNA position 3199, C replaced by G.
Protein change: p.Gln1067Glu; replaces glutamine 1067 with glutamic acid.
Molecular consequence: missense variant.
Genome position (GRCh38, 1-based): chr12:132,659,371, G>C on the plus strand (C>G on the coding strand, the complement: POLE is on the minus strand). VCF-style: chr12-132659371-G-C. GRCh37 (hg19) VCF-style: chr12-133235957-G-C.
Other names: short protein forms Q1067E.
Identifiers: ClinVar variation 4862338 (VCV004862338.1).

ClinVar aggregate classification (germline): Uncertain significance (1 of 4 stars; one submission).

Conditions:
Hereditary cancer-predisposing syndrome. Also called: Neoplastic Syndromes, Hereditary; Tumor predisposition; Hereditary Cancer Syndrome; Hereditary neoplastic syndrome. Identifiers: Orphanet 140162, MedGen C0027672, MeSH D009386, MONDO:0015356.

Submission:

Ambry Genetics
Classification: Uncertain significance for Hereditary cancer-predisposing syndrome. Last evaluated: 2026-05-31. Review status: criteria provided, single submitter. Criteria: Ambry Variant Classification Scheme 2023. Collection method: clinical testing. Allele origin: germline.
Comment: The p.Q1067E variant (also known as c.3199C>G), located in coding exon 26 of the POLE gene, results from a C to G substitution at nucleotide position 3199. The glutamine at codon 1067 is replaced by glutamic acid, an amino acid with highly similar properties. This amino acid position is conserved. In addition, the in silico prediction for this alteration is inconclusive. Based on the available evidence, the clinical significance of this variant remains unclear.